The following is an entry in ClinVar:

ClinVar aggregate classification (germline): Uncertain significance (1 of 4 stars; one submission).

Conditions:
Hereditary cancer-predisposing syndrome. Also called: Hereditary neoplastic syndrome; Tumor predisposition; Neoplastic Syndromes, Hereditary; Hereditary Cancer Syndrome. Identifiers: Orphanet 140162, MedGen C0027672, MeSH D009386, MONDO:0015356.

Submission:

Sema4
Classification: Uncertain significance for Hereditary cancer-predisposing syndrome. Last evaluated: 2021-08-23. Review status: criteria provided, single submitter. Criteria: Sema4 Curation Guidelines. Collection method: curation. Allele origin: germline.
Comment: The SMAD4 c.202C>A (p.P68T) variant has not been reported in the literature to our knowledge. It was not observed in the large and broad cohorts of the Genome Aggregation Database (PMID: 32461654). The variant has not been reported in ClinVar. Functional studies have not been performed, and in silico predictions of the variant's effect on protein function are inconclusive. The evidence is insufficient to meet ACMG/AMP criteria for classifying the variant as benign or pathogenic. Thus, the clinical significance of this variant is currently uncertain.

NM_005359.6(SMAD4):c.202C>A (p.Pro68Thr)

Gene: SMAD4 (SMAD family member 4; plus strand). Cytogenetic location: 18q21.2.
Variant type: single nucleotide variant.
Coding change: c.202C>A on transcript NM_005359.6 (MANE Select); coding-DNA position 202, C replaced by A.
Protein change: p.Pro68Thr; replaces proline 68 with threonine.
Molecular consequence: missense variant.
Genome position (GRCh38, 1-based): chr18:51,047,248, C>A. VCF-style: chr18-51047248-C-A. GRCh37 (hg19) VCF-style: chr18-48573618-C-A.
Other names: short protein forms P68T.
Identifiers: ClinVar variation 1692894 (VCV001692894.1), dbSNP rs2144401648, ClinGen allele CA402458005.